The following is an entry in ClinVar:

NM_203446.3(SYNJ1):c.320G>A (p.Arg107Gln)

Gene: SYNJ1 (synaptojanin 1; minus strand). Cytogenetic location: 21q22.11.
Variant type: single nucleotide variant.
Coding change: c.320G>A on transcript NM_203446.3 (MANE Select); coding-DNA position 320, G replaced by A.
Protein change: p.Arg107Gln; replaces arginine 107 with glutamine.
Molecular consequence: missense variant.
Genome position (GRCh38, 1-based): chr21:32,699,997, C>T on the plus strand (G>A on the coding strand, the complement: SYNJ1 is on the minus strand). VCF-style: chr21-32699997-C-T. GRCh37 (hg19) VCF-style: chr21-34072307-C-T.
Other names: c.320G>A, p.Arg107Gln (NM_001160302.2, NM_001160306.2); c.437G>A, p.Arg146Gln (NM_003895.4); short protein forms R107Q, R146Q.
Identifiers: ClinVar variation 1355434 (VCV001355434.3), dbSNP rs757734263, ClinGen allele CA10004157.
Genomic context (GRCh38, chr21:32,699,997, plus strand): 5'-TTTCCTGAATTCAAAACTTTCCGCACTTCTGAAATGCGATCCTCATCTGAAGAATCGATT[C>T]GCAGTGATATAAACTCAGTGGAAGTAACTCGGAAAACTTCAGATTCTTGAATTTTTCCAA-3'
Protein context (NP_982271.3, residues 97-117): RVTSTEFISL[Arg107Gln]IDSSDEDRIS

ClinVar aggregate classification (germline): Uncertain significance (1 of 4 stars; one submission).

Conditions:
Early-onset Parkinson disease 20. Also called: PARKINSON DISEASE 20, AUTOSOMAL RECESSIVE EARLY-ONSET. Identifiers: Orphanet 391411, MedGen C3809824, MONDO:0014233, OMIM 615530.
Developmental and epileptic encephalopathy, 53. Also called: Epileptic encephalopathy, early infantile, 53. Identifiers: MedGen C4479313, MONDO:0033362, OMIM 617389.

Allele frequency attached by ClinVar (database versions not stated): gnomAD exomes below 0.00001 and 0.00003; TOPMed below 0.00001; ExAC 0.00001; gnomAD 0.00001.
gnomAD v4.1: 41 of 1,614,012 alleles (0.0025%); highest among the groups gnomAD compares: African/African-American, 0.004%; no homozygotes.

Submission:

Labcorp Genetics (formerly Invitae), Labcorp
Classification: Uncertain significance for Developmental and epileptic encephalopathy, 53; Early-onset Parkinson disease 20. Last evaluated: 2022-08-22. Review status: criteria provided, single submitter. Criteria: Invitae Variant Classification Sherloc (09022015). Collection method: clinical testing. Allele origin: germline.
Comment: This sequence change replaces arginine, which is basic and polar, with glutamine, which is neutral and polar, at codon 146 of the SYNJ1 protein (p.Arg146Gln). This variant is present in population databases (rs757734263, gnomAD 0.0009%). This variant has not been reported in the literature in individuals affected with SYNJ1-related conditions. ClinVar contains an entry for this variant (Variation ID: 1355434). Algorithms developed to predict the effect of missense changes on protein structure and function (SIFT, PolyPhen-2, Align-GVGD) all suggest that this variant is likely to be tolerated. In summary, the available evidence is currently insufficient to determine the role of this variant in disease. Therefore, it has been classified as a Variant of Uncertain Significance.